The following is an entry in ClinVar:

NM_021939.4(FKBP10):c.239_245del (p.Asp80fs)

Gene: FKBP10 (FKBP prolyl isomerase 10; plus strand). Cytogenetic location: 17q21.2.
Variant type: Deletion.
Coding change: c.239_245del on transcript NM_021939.4 (MANE Select); coding-DNA positions 239 to 245, 7 bases deleted (ATTCAAG; older notation c.239_245delATTCAAG).
Protein change: p.Asp80fs; shifts the reading frame from aspartic acid 80.
Molecular consequence: frameshift variant.
Genome position (GRCh38, 1-based): chr17:41,813,273-41,813,279, ATTCAAG deleted; deleting any 7 consecutive bases within chr17:41,813,272-41,813,279 gives the same sequence; the c. name uses the placement nearest the transcript's 3' end. VCF-style (leftmost placement, unchanged base first): chr17-41813271-TGATTCAA-T. GRCh37 (hg19) VCF-style: chr17-39969523-TGATTCAA-T.
Other names: c.239_245delATTCAAG (NM_021939.4); short protein forms D80fs.
Identifiers: ClinVar variation 4537149 (VCV004537149.1).

ClinVar aggregate classification (germline): Pathogenic (1 of 4 stars; one submission).

Conditions:
Osteogenesis imperfecta (OI). Identifiers: Orphanet 666, MedGen C0029434, MeSH D010013, MONDO:0019019.

Submission:

Women's Health and Genetics/Laboratory Corporation of America, LabCorp
Classification: Pathogenic for Osteogenesis imperfecta. Last evaluated: 2025-11-03. Review status: criteria provided, single submitter. Criteria: LabCorp Variant Classification Summary - May 2015. Collection method: clinical testing. Allele origin: germline.
Comment: Variant summary: FKBP10 c.239_245delATTCAAG (p.Asp80AlafsX77) results in a premature termination codon, predicted to cause a truncation of the encoded protein or absence of the protein due to nonsense mediated decay, which are commonly known mechanisms for disease. The variant was absent in 251136 control chromosomes. To our knowledge, no occurrence of c.239_245delATTCAAG in individuals affected with FKBP10-related conditions and no experimental evidence demonstrating its impact on protein function have been reported. No submitters have cited clinical-significance assessments for this variant to ClinVar. Based on the evidence outlined above, the variant was classified as pathogenic.